The following is an entry in ClinVar:

NM_173500.4(TTBK2):c.813A>G (p.Pro271=)

Gene: TTBK2 (tau tubulin kinase 2; minus strand). Cytogenetic location: 15q15.2.
Variant type: single nucleotide variant.
Coding change: c.813A>G on transcript NM_173500.4 (MANE Select); coding-DNA position 813, A replaced by G.
Protein change: p.Pro271=; no amino-acid change (proline 271 retained).
Molecular consequence: synonymous variant.
Genome position (GRCh38, 1-based): chr15:42,810,623, T>C on the plus strand (A>G on the coding strand, the complement: TTBK2 is on the minus strand). VCF-style: chr15-42810623-T-C. GRCh37 (hg19) VCF-style: chr15-43102821-T-C.
Identifiers: ClinVar variation 4682318 (VCV004682318.1).

ClinVar aggregate classification (germline): Uncertain significance (1 of 4 stars; one submission).

gnomAD v4.1: 1 of 1,613,950 alleles (0.000062%); highest among the groups gnomAD compares: Non-Finnish European, 0.000085%; no homozygotes.

Submission:

Athena Diagnostics
Classification: Uncertain significance. Last evaluated: 2025-04-03. Review status: criteria provided, single submitter. Criteria: Athena Diagnostics Criteria. Collection method: clinical testing. Allele origin: unknown.
Comment: Available data are insufficient to determine the clinical significance of the variant at this time. This variant has not been reported in large, multi-ethnic general populations. Computational tools yielded predictions that this variant is unlikely to have an effect on normal RNA splicing.